The following is an entry in ClinVar:

NM_001144967.3(NEDD4L):c.2802G>A (p.Glu934=)

Gene: NEDD4L (NEDD4 like E3 ubiquitin protein ligase; plus strand). Cytogenetic location: 18q21.31.
Variant type: single nucleotide variant.
Coding change: c.2802G>A on transcript NM_001144967.3 (MANE Select); coding-DNA position 2802, G replaced by A.
Protein change: p.Glu934=; no amino-acid change (glutamic acid 934 retained).
Molecular consequence: synonymous variant.
Genome position (GRCh38, 1-based): chr18:58,391,536, G>A. VCF-style: chr18-58391536-G-A. GRCh37 (hg19) VCF-style: chr18-56058768-G-A.
Other names: p.Glu914=; c.2439G>A, p.Glu813= (NM_001144964.1, NM_001144965.2, NM_001144966.3); c.2778G>A, p.Glu926= (NM_001144968.2); c.2718G>A, p.Glu906= (NM_001144969.2); c.2379G>A, p.Glu793= (NM_001144970.3, NM_001144971.2); c.2610G>A, p.Glu870= (NM_001243960.2); c.2742G>A, p.Glu914= (NM_015277.6).
Identifiers: ClinVar variation 417016 (VCV000417016.16), dbSNP rs115364125, ClinGen allele CA8976058.

ClinVar aggregate classification (germline): Benign. Review status: criteria provided, multiple submitters, no conflicts (2 of 4 stars). 5 submissions from 5 submitters: Benign (5). Last evaluated 2026-02-03.

Conditions:
Periventricular nodular heterotopia 7 (PVNH7). Identifiers: MedGen C4310669, MONDO:0014966, OMIM 617201.

Allele frequency attached by ClinVar (database versions not stated): gnomAD exomes 0.00098; ExAC 0.00285; 1000 Genomes Project 0.00459; ESP Exome Variant Server 0.00463; gnomAD 0.00482 and 0.00521; 1000 Genomes Project 30x 0.00531; TOPMed 0.00552.
gnomAD v4.1: 1,375 of 1,580,640 alleles (0.087%); highest among the groups gnomAD compares: African/African-American, 1.7%; 11 homozygotes.

Submissions (5):

Labcorp Genetics (formerly Invitae), Labcorp
Classification: Benign. Last evaluated: 2026-02-03. Review status: criteria provided, single submitter. Criteria: Invitae Variant Classification Sherloc (09022015). Collection method: clinical testing. Allele origin: germline.

ARUP Laboratories, Molecular Genetics and Genomics, ARUP Laboratories
Classification: Benign for Periventricular nodular heterotopia 7. Last evaluated: 2024-01-17. Review status: criteria provided, single submitter. Criteria: ARUP Molecular Germline Variant Investigation Process 2024. Collection method: clinical testing. Allele origin: germline.

Mayo Clinic Laboratories, Mayo Clinic
Classification: Benign. Last evaluated: 2023-10-11. Review status: criteria provided, single submitter. Criteria: ACMG Guidelines, 2015. Collection method: clinical testing. Allele origin: germline. Observed: 4 variant alleles.
Comment: BS1, BS2, BP4, BP7

GeneDx
Classification: Benign. Last evaluated: 2021-05-07. Review status: criteria provided, single submitter. Criteria: GeneDx Variant Classification Process June 2021. Collection method: clinical testing. Allele origin: germline. Affected: yes.

Breakthrough Genomics
Classification: Benign. Review status: criteria provided, single submitter. Criteria: ACMG Guidelines, 2015. Collection method: not provided. Allele origin: germline. Inheritance: Autosomal dominant inheritance. Affected: yes.